The following is an entry in ClinVar:

NM_005909.5(MAP1B):c.2319C>T (p.Ala773=)

Gene: MAP1B (microtubule associated protein 1B; plus strand). Cytogenetic location: 5q13.2.
Variant type: single nucleotide variant.
Coding change: c.2319C>T on transcript NM_005909.5 (MANE Select); coding-DNA position 2319, C replaced by T.
Protein change: p.Ala773=; no amino-acid change (alanine 773 retained).
Molecular consequence: synonymous variant.
Genome position (GRCh38, 1-based): chr5:72,195,674, C>T. VCF-style: chr5-72195674-C-T. GRCh37 (hg19) VCF-style: chr5-71491501-C-T.
Other names: c.1941C>T, p.Ala647= (NM_001324255.2).
Identifiers: ClinVar variation 779886 (VCV000779886.30), dbSNP rs142149258, ClinGen allele CA3298802.

ClinVar aggregate classification (germline): Benign/Likely benign. Review status: criteria provided, multiple submitters, no conflicts (2 of 4 stars). 4 submissions from 4 submitters: Benign (1); Likely benign (2). 1 of the submissions does not count toward it. Last evaluated 2025-06-01.

Conditions:
MAP1B-related disorder. Also called: MAP1B-related condition.

Allele frequency attached by ClinVar (database versions not stated): ESP Exome Variant Server 0.00008; gnomAD exomes 0.00018 and 0.00079; gnomAD 0.00058 and 0.00069; ExAC 0.00062; TOPMed 0.00063; 1000 Genomes Project 0.00359; 1000 Genomes Project 30x 0.00375.

Submissions (4):

CeGaT Center for Human Genetics Tuebingen
Classification: Likely benign. Last evaluated: 2025-06-01. Review status: criteria provided, single submitter. Criteria: CeGaT Center For Human Genetics Tuebingen Variant Classification Criteria Version 2. Collection method: clinical testing. Allele origin: germline. Affected: yes. Observed: 3 variant alleles.
Comment: MAP1B: BP4, BP7

Blueprint Genetics
Classification: Likely benign. Last evaluated: 2024-11-25. Review status: criteria provided, single submitter. Criteria: ACMG Guidelines, 2015. Collection method: clinical testing. Allele origin: germline.

Labcorp Genetics (formerly Invitae), Labcorp
Classification: Benign. Last evaluated: 2019-12-31. Review status: criteria provided, single submitter. Criteria: Invitae Variant Classification Sherloc (09022015). Collection method: clinical testing. Allele origin: germline.

PreventionGenetics, part of Exact Sciences
Classification: Likely benign for MAP1B-related condition. Last evaluated: 2019-02-26. Review status: no assertion criteria provided. Collection method: clinical testing. Allele origin: germline. Not counted in ClinVar's aggregate classification.
Comment: This variant is classified as likely benign based on ACMG/AMP sequence variant interpretation guidelines (Richards et al. 2015 PMID: 25741868, with internal and published modifications).